The following is an entry in ClinVar:

ClinVar aggregate classification (germline): Likely benign. Review status: criteria provided, multiple submitters, no conflicts (2 of 4 stars). 3 submissions from 3 submitters: Likely benign (3). Last evaluated 2026-01-14.

Allele frequency attached by ClinVar (database versions not stated): 1000 Genomes Project 30x 0.00016; 1000 Genomes Project 0.00020; ExAC 0.00046; gnomAD exomes 0.00047 and 0.00088; TOPMed 0.00051; gnomAD 0.00056; ESP Exome Variant Server 0.00079.
gnomAD v4.1: 1,369 of 1,613,242 alleles (0.085%); highest among the groups gnomAD compares: Non-Finnish European, 0.11%; 1 homozygote.

Submissions (3):

Labcorp Genetics (formerly Invitae), Labcorp
Classification: Likely benign. Last evaluated: 2026-01-14. Review status: criteria provided, single submitter. Criteria: Invitae Variant Classification Sherloc (09022015). Collection method: clinical testing. Allele origin: germline.

CeGaT Center for Human Genetics Tuebingen
Classification: Likely benign. Last evaluated: 2025-11-01. Review status: criteria provided, single submitter. Criteria: CeGaT Center For Human Genetics Tuebingen Variant Classification Criteria Version 2. Collection method: clinical testing. Allele origin: germline. Affected: yes. Observed: 3 variant alleles.
Comment: PITRM1: BP4, BP7

Blueprint Genetics
Classification: Likely benign. Last evaluated: 2024-10-18. Review status: criteria provided, single submitter. Criteria: ACMG Guidelines, 2015. Collection method: clinical testing. Allele origin: germline.

NM_014889.4(PITRM1):c.3006G>A (p.Leu1002=)

Gene: PITRM1 (pitrilysin metallopeptidase 1; minus strand). Cytogenetic location: 10p15.2.
Variant type: single nucleotide variant.
Coding change: c.3006G>A on transcript NM_014889.4 (MANE Select); coding-DNA position 3006, G replaced by A.
Protein change: p.Leu1002=; no amino-acid change (leucine 1002 retained).
Molecular consequence: synonymous variant. On other transcripts: non-coding transcript variant (4).
Genome position (GRCh38, 1-based): chr10:3,138,249, C>T on the plus strand (G>A on the coding strand, the complement: PITRM1 is on the minus strand). VCF-style: chr10-3138249-C-T. GRCh37 (hg19) VCF-style: chr10-3180441-C-T.
Other names: c.2712G>A, p.Leu904= (NM_001242309.1); c.3009G>A, p.Leu1003= (NM_001242307.2); c.2808G>A, p.Leu936= (NM_001347725.2); c.2193G>A, p.Leu731= (NM_001347726.2); c.2391G>A, p.Leu797= (NM_001347727.2); c.1701G>A, p.Leu567= (NM_001347728.2); c.2982G>A, p.Leu994= (NM_001347729.1); c.2784G>A, p.Leu928= (NM_001347730.1).
Identifiers: ClinVar variation 725162 (VCV000725162.30), dbSNP rs199806295, ClinGen allele CA5387078.